The following is an entry in ClinVar:

NM_000256.3(MYBPC3):c.2893C>T (p.Gln965Ter)

Gene: MYBPC3 (myosin binding protein C3; minus strand). Cytogenetic location: 11p11.2.
Variant type: single nucleotide variant.
Coding change: c.2893C>T on transcript NM_000256.3 (MANE Select); coding-DNA position 2893, C replaced by T.
Protein change: p.Gln965Ter; replaces glutamine 965 with a stop codon.
Molecular consequence: nonsense.
Genome position (GRCh38, 1-based): chr11:47,335,054, G>A on the plus strand (C>T on the coding strand, the complement: MYBPC3 is on the minus strand). VCF-style: chr11-47335054-G-A. GRCh37 (hg19) VCF-style: chr11-47356605-G-A.
Other names: p.Q965*:CAG>TAG; c.2893C>T, p.Gln965Ter (LRG_386t1); short protein forms Q965*.
Identifiers: ClinVar variation 180986 (VCV000180986.12), dbSNP rs730880578, ClinGen allele CA013116.
Genomic context (GRCh38, chr11:47,335,054, plus strand): 5'-CCTGGGGTGTCAATGGCGGGTCTTGTGACTGCACAAAGGGGCACTCACGCAGGATCTCCT[G>A]CACTGTCACCGGCTCCGTGGTGGTAACAGGGGCTCCAGGCCCTGCCATATTGTGTGCCCG-3'

ClinVar aggregate classification (germline): Pathogenic. Review status: criteria provided, multiple submitters, no conflicts (2 of 4 stars). 5 submissions from 5 submitters: Pathogenic (5). Last evaluated 2025-03-31.

Conditions:
Hypertrophic cardiomyopathy 4. Also called: Familial hypertrophic cardiomyopathy 4. Identifiers: MedGen C1861862, MONDO:0007268, OMIM 115197.
Hypertrophic cardiomyopathy. Also called: HYPERTROPHIC MYOCARDIOPATHY. Identifiers: Orphanet 217569, MedGen C0007194, MeSH D002312, MONDO:0005045, HP:0001639.

gnomAD v4.1: 1 of 1,566,268 alleles (0.000064%); highest among the groups gnomAD compares: Non-Finnish European, 0.000087%; no homozygotes.

Submissions (5):

GeneDx
Classification: Pathogenic. Last evaluated: 2025-03-31. Review status: criteria provided, single submitter. Criteria: GeneDx Variant Classification Process June 2021. Collection method: clinical testing. Allele origin: germline. Affected: yes.
Comment: Reported in association with hypertrophic cardiomyopathy (PMID: 20019025); Nonsense variant predicted to result in protein truncation or nonsense mediated decay in a gene for which loss of function is a known mechanism of disease; Not observed at significant frequency in large population cohorts (gnomAD); This variant is associated with the following publications: (PMID: 25525159, 22115648, 20019025)

Petrovsky National Research Centre of Surgery, The Federal Agency for Scientific Organizations
Classification: Pathogenic for Hypertrophic cardiomyopathy 4. Last evaluated: 2023-10-06. Review status: criteria provided, single submitter. Criteria: ACMG Guidelines, 2015. Collection method: clinical testing. Allele origin: germline. Inheritance: Autosomal dominant inheritance. Affected: yes. Observed: 1 heterozygote.
Comment: This variant is absent in The Genome Aggregation Database (gnomAD) v2.1.1 and v.3.1.2 (Date of access with 06-10-2023). Clinvar contains an entry for this variant (Variation ID: 180986). This variant has been reported in 3 publications in patients with variable phenotypes. Most in silico predictors show pathogenic result of the protein change. In accordance with ACMG(2015) criteria this variant is classified as Pathogenic with following criteria selected: PVS1, PS4_Supporting, PM2, (PP5).

Labcorp Genetics (formerly Invitae), Labcorp
Classification: Pathogenic for Hypertrophic cardiomyopathy. Last evaluated: 2023-08-02. Review status: criteria provided, single submitter. Criteria: Invitae Variant Classification Sherloc (09022015). Collection method: clinical testing. Allele origin: germline.
Comment: For these reasons, this variant has been classified as Pathogenic. Algorithms developed to predict the effect of sequence changes on RNA splicing suggest that this variant may disrupt the consensus splice site. ClinVar contains an entry for this variant (Variation ID: 180986). This premature translational stop signal has been observed in individual(s) with hypertrophic cardiomyopathy (PMID: 22115648). This variant is not present in population databases (gnomAD no frequency). This sequence change creates a premature translational stop signal (p.Gln965*) in the MYBPC3 gene. It is expected to result in an absent or disrupted protein product. Loss-of-function variants in MYBPC3 are known to be pathogenic (PMID: 19574547).

Revvity Omics, Revvity
Classification: Pathogenic. Last evaluated: 2022-06-29. Review status: criteria provided, single submitter. Criteria: ACMG Guidelines, 2015. Collection method: clinical testing. Allele origin: germline.

Clinical Genetics Service, Universitary Hospital 12 de Octubre
Classification: Pathogenic for Hypertrophic cardiomyopathy 4. Review status: criteria provided, single submitter. Criteria: ACMG Guidelines, 2015. Collection method: clinical testing. Allele origin: germline. Affected: yes.

Literature cited by the submitters: PubMed 22115648 (cited by Labcorp Genetics (formerly Invitae), Labcorp); PubMed 19574547 (cited by Labcorp Genetics (formerly Invitae), Labcorp).